The following is an entry in ClinVar:

NM_001165963.4(SCN1A):c.1680T>C (p.Arg560=)

Gene: SCN1A (sodium voltage-gated channel alpha subunit 1; minus strand). Cytogenetic location: 2q24.3.
Variant type: single nucleotide variant.
Coding change: c.1680T>C on transcript NM_001165963.4 (MANE Select); coding-DNA position 1680, T replaced by C.
Protein change: p.Arg560=; no amino-acid change (arginine 560 retained).
Molecular consequence: synonymous variant. On other transcripts: 5 prime UTR variant (1), non-coding transcript variant (1).
Genome position (GRCh38, 1-based): chr2:166,044,032, A>G on the plus strand (T>C on the coding strand, the complement: SCN1A is on the minus strand). VCF-style: chr2-166044032-A-G. GRCh37 (hg19) VCF-style: chr2-166900542-A-G.
Other names: c.1680T>C, p.Arg560= (NM_001165964.3, NM_001202435.3, NM_001353948.2 and 7 more transcripts); c.1677T>C, p.Arg559= (NM_001353954.2, NM_001353955.2, NM_001353960.2); c.-746T>C (NM_001353961.2); c.1680T>C (NM_001202435.1).
Identifiers: ClinVar variation 498892 (VCV000498892.28), dbSNP rs145662732, ClinGen allele CA1943261.

ClinVar aggregate classification (germline): Conflicting classifications of pathogenicity. Review status: criteria provided, conflicting classifications (1 of 4 stars). 7 submissions from 7 submitters: Uncertain significance (1); Benign (1); Likely benign (4). 1 of the submissions does not count toward it. Last evaluated 2025-10-27.

Conditions:
Inborn genetic diseases. Identifiers: MedGen C0950123, MeSH D030342.
SCN1A-related disorder. Also called: SCN1A-related conditions; SCN1A-related condition; SCN1A-related disorders.
Early-infantile DEE. Also called: Ohtahara syndrome; Early infantile epileptic encephalopathy; Early infantile epileptic encephalopathy with suppression bursts. Identifiers: Orphanet 1934, MedGen C0393706, MONDO:0800491.

Allele frequency attached by ClinVar (database versions not stated): gnomAD exomes 0.00002 and 0.00004; ExAC 0.00003; gnomAD 0.00010 and 0.00011; TOPMed 0.00015; ESP Exome Variant Server 0.00023.
gnomAD v4.1: 44 of 1,614,076 alleles (0.0027%); highest among the groups gnomAD compares: African/African-American, 0.047%; no homozygotes.

Submissions (7):

Labcorp Genetics (formerly Invitae), Labcorp
Classification: Likely benign for Early-infantile DEE. Last evaluated: 2025-10-27. Review status: criteria provided, single submitter. Criteria: Invitae Variant Classification Sherloc (09022015). Collection method: clinical testing. Allele origin: germline.

Blueprint Genetics
Classification: Likely benign. Last evaluated: 2024-07-17. Review status: criteria provided, single submitter. Criteria: ACMG Guidelines, 2015. Collection method: clinical testing. Allele origin: germline.

Women's Health and Genetics/Laboratory Corporation of America, LabCorp
Classification: Benign. Last evaluated: 2022-11-11. Review status: criteria provided, single submitter. Criteria: LabCorp Variant Classification Summary - May 2015. Collection method: clinical testing. Allele origin: germline.

GeneDx
Classification: Likely benign. Last evaluated: 2020-12-07. Review status: criteria provided, single submitter. Criteria: GeneDx Variant Classification Process June 2021. Collection method: clinical testing. Allele origin: germline. Affected: yes.

Eurofins Ntd Llc (ga)
Classification: Uncertain significance. Last evaluated: 2016-12-28. Review status: criteria provided, single submitter. Criteria: EGL Classification Definitions 2015. Collection method: clinical testing. Allele origin: germline. Observed: 1 variant allele, 1 heterozygote.

Ambry Genetics
Classification: Likely benign for Inborn genetic diseases. Last evaluated: 2016-08-05. Review status: criteria provided, single submitter. Criteria: Ambry Variant Classification Scheme 2023. Collection method: clinical testing. Allele origin: germline.

PreventionGenetics, part of Exact Sciences
Classification: Likely benign for SCN1A-related condition. Last evaluated: 2019-07-18. Review status: no assertion criteria provided. Collection method: clinical testing. Allele origin: germline. Not counted in ClinVar's aggregate classification.
Comment: This variant is classified as likely benign based on ACMG/AMP sequence variant interpretation guidelines (Richards et al. 2015 PMID: 25741868, with internal and published modifications).